The following is an entry in ClinVar:

ClinVar aggregate classification (germline): Uncertain significance (1 of 4 stars; one submission).

Conditions:
Familial temporal lobe epilepsy 7. Identifiers: Orphanet 101046, MedGen C4225327, MONDO:0014639, OMIM 616436.
Norman-Roberts syndrome (LIS2). Also called: Lissencephaly 2 (Norman-Roberts type). Identifiers: Orphanet 89844, MedGen C0796089, MONDO:0009760, OMIM 257320.

Submission:

Labcorp Genetics (formerly Invitae), Labcorp
Classification: Uncertain significance for Familial temporal lobe epilepsy 7; Norman-Roberts syndrome. Last evaluated: 2021-10-27. Review status: criteria provided, single submitter. Criteria: Invitae Variant Classification Sherloc (09022015). Collection method: clinical testing. Allele origin: germline.
Comment: In summary, the available evidence is currently insufficient to determine the role of this variant in disease. Therefore, it has been classified as a Variant of Uncertain Significance. Experimental studies and prediction algorithms are not available or were not evaluated, and the functional significance of this variant is currently unknown. This variant has not been reported in the literature in individuals affected with RELN-related conditions. This variant is not present in population databases (gnomAD no frequency). This sequence change affects the initiator methionine of the RELN mRNA. The next in-frame methionine is located at codon 115.

NM_005045.4(RELN):c.1A>G (p.Met1Val)

Gene: RELN (reelin; minus strand). Cytogenetic location: 7q22.1.
Variant type: single nucleotide variant.
Coding change: c.1A>G on transcript NM_005045.4 (MANE Select); coding-DNA position 1, A replaced by G.
Protein change: p.Met1Val; changes the start codon (methionine 1).
Molecular consequence: missense variant, initiator codon variant.
Genome position (GRCh38, 1-based): chr7:103,989,356, T>C on the plus strand (A>G on the coding strand, the complement: RELN is on the minus strand). VCF-style: chr7-103989356-T-C. GRCh37 (hg19) VCF-style: chr7-103629803-T-C.
Other names: c.1A>G, p.Met1Val (NM_173054.3); short protein forms M1V.
Identifiers: ClinVar variation 1434306 (VCV001434306.6), dbSNP rs1218893617, ClinGen allele CA368931665.